The following is an entry in ClinVar:

NM_000391.4(TPP1):c.1232G>T (p.Gly411Val)

Gene: TPP1 (tripeptidyl peptidase 1; minus strand). Cytogenetic location: 11p15.4.
Variant type: single nucleotide variant.
Coding change: c.1232G>T on transcript NM_000391.4 (MANE Select); coding-DNA position 1232, G replaced by T.
Protein change: p.Gly411Val; replaces glycine 411 with valine.
Molecular consequence: missense variant.
Genome position (GRCh38, 1-based): chr11:6,615,476, C>A on the plus strand (G>T on the coding strand, the complement: TPP1 is on the minus strand). VCF-style: chr11-6615476-C-A. GRCh37 (hg19) VCF-style: chr11-6636707-C-A.
Other names: short protein forms G411V.
Identifiers: ClinVar variation 2132665 (VCV002132665.4), dbSNP rs2493796885, ClinGen allele CA379472925.

ClinVar aggregate classification (germline): Uncertain significance (1 of 4 stars; one submission).

Submission:

Labcorp Genetics (formerly Invitae), Labcorp
Classification: Uncertain significance. Last evaluated: 2022-05-04. Review status: criteria provided, single submitter. Criteria: Invitae Variant Classification Sherloc (09022015). Collection method: clinical testing. Allele origin: germline.
Comment: In summary, the available evidence is currently insufficient to determine the role of this variant in disease. Therefore, it has been classified as a Variant of Uncertain Significance. Advanced modeling of protein sequence and biophysical properties (such as structural, functional, and spatial information, amino acid conservation, physicochemical variation, residue mobility, and thermodynamic stability) performed at Invitae indicates that this missense variant is expected to disrupt TPP1 protein function. This variant has not been reported in the literature in individuals affected with TPP1-related conditions. This variant is not present in population databases (gnomAD no frequency). This sequence change replaces glycine, which is neutral and non-polar, with valine, which is neutral and non-polar, at codon 411 of the TPP1 protein (p.Gly411Val).